The following is an entry in ClinVar:

NM_006231.4(POLE):c.1184G>T (p.Gly395Val)

Gene: POLE (DNA polymerase epsilon, catalytic subunit; minus strand). Cytogenetic location: 12q24.33.
Variant type: single nucleotide variant.
Coding change: c.1184G>T on transcript NM_006231.4 (MANE Select); coding-DNA position 1184, G replaced by T.
Protein change: p.Gly395Val; replaces glycine 395 with valine.
Molecular consequence: missense variant.
Genome position (GRCh38, 1-based): chr12:132,675,440, C>A on the plus strand (G>T on the coding strand, the complement: POLE is on the minus strand). VCF-style: chr12-132675440-C-A. GRCh37 (hg19) VCF-style: chr12-133252026-C-A.
Other names: short protein forms G395V.
Identifiers: ClinVar variation 665995 (VCV000665995.10), dbSNP rs546499094, ClinGen allele CA387360838.
Genomic context (GRCh38, chr12:132,675,440, plus strand): 5'-CTGCTCTGTGGCCCCTACCTGAGGCAGTCCATGTGGATGCACTGGGGCGCCTTGTACTCC[C>A]CCTGGCTGTCCTTCTGGAAGCCTATCTCCTGCTGCATGCTCAGACCGTGGACTGCTGCCC-3'
Protein context (NP_006222.2, residues 385-405): QEIGFQKDSQ[Gly395Val]EYKAPQCIHM

ClinVar aggregate classification (germline): Uncertain significance (1 of 4 stars; one submission).

Submission:

Labcorp Genetics (formerly Invitae), Labcorp
Classification: Uncertain significance. Last evaluated: 2023-11-20. Review status: criteria provided, single submitter. Criteria: Invitae Variant Classification Sherloc (09022015). Collection method: clinical testing. Allele origin: germline.
Comment: This sequence change replaces glycine, which is neutral and non-polar, with valine, which is neutral and non-polar, at codon 395 of the POLE protein (p.Gly395Val). This variant is not present in population databases (gnomAD no frequency). This variant has not been reported in the literature in individuals affected with POLE-related conditions. ClinVar contains an entry for this variant (Variation ID: 665995). Advanced modeling of protein sequence and biophysical properties (such as structural, functional, and spatial information, amino acid conservation, physicochemical variation, residue mobility, and thermodynamic stability) has been performed at Invitae for this missense variant, however the output from this modeling did not meet the statistical confidence thresholds required to predict the impact of this variant on POLE protein function. In summary, the available evidence is currently insufficient to determine the role of this variant in disease. Therefore, it has been classified as a Variant of Uncertain Significance.